The following is an entry in ClinVar:

NM_006846.4(SPINK5):c.1242_1246del (p.Lys415fs)

Gene: SPINK5 (serine peptidase inhibitor Kazal type 5; plus strand). Cytogenetic location: 5q32.
Variant type: Microsatellite.
Coding change: c.1242_1246del on transcript NM_006846.4 (MANE Select); coding-DNA positions 1242 to 1246, 5 bases deleted (GAAAA; older notation c.1242_1246delGAAAA).
Protein change: p.Lys415fs; shifts the reading frame from lysine 415.
Molecular consequence: frameshift variant.
Genome position (GRCh38, 1-based): chr5:148,101,376-148,101,380, GAAAA deleted; deleting any 5 consecutive bases within chr5:148,101,369-148,101,380 gives the same sequence; the c. name uses the placement nearest the transcript's 3' end. VCF-style (leftmost placement, unchanged base first): chr5-148101368-GAAGAA-G. GRCh37 (hg19) VCF-style: chr5-147480931-GAAGAA-G.
Other names: c.1242_1246del, p.Lys415fs (NM_001127698.2, NM_001127699.2); short protein forms K415fs.
Identifiers: ClinVar variation 1460134 (VCV001460134.6), dbSNP rs2113120242, ClinGen allele CA2580614764.
Genomic context (GRCh38, chr5:148,101,368, plus strand): 5'-GCGATTCTATGATTTTTACTTATCTCTTCTTAACCATCCTTTTTTAGCCAAGCAGAAGAA[GAAGAA>G]AAGAAAAAGAAGGAAGGTAAATCAAGAAACAAAAGACAATCTAAGAGTACAGCTTCCTTT-3'

ClinVar aggregate classification (germline): Pathogenic (1 of 4 stars; one submission).

Conditions:
Ichthyosis linearis circumflexa. Identifiers: MedGen C0265962, MONDO:0043106, HP:0025810.

Submission:

Labcorp Genetics (formerly Invitae), Labcorp
Classification: Pathogenic for Ichthyosis linearis circumflexa. Last evaluated: 2021-02-03. Review status: criteria provided, single submitter. Criteria: Invitae Variant Classification Sherloc (09022015). Collection method: clinical testing. Allele origin: germline.
Comment: For these reasons, this variant has been classified as Pathogenic. This variant has not been reported in the literature in individuals with SPINK5-related conditions. This variant is not present in population databases (ExAC no frequency). This sequence change creates a premature translational stop signal (p.Lys415Glufs*4) in the SPINK5 gene. It is expected to result in an absent or disrupted protein product. Loss-of-function variants in SPINK5 are known to be pathogenic (PMID: 11511292, 11841556).

Literature cited by the submitters: PubMed 11511292; PubMed 11841556.